The following is an entry in ClinVar:

NM_001130987.2(DYSF):c.4638dup (p.Gln1547fs)

Gene: DYSF (dysferlin; plus strand). Cytogenetic location: 2p13.2.
Variant type: Duplication.
Coding change: c.4638dup on transcript NM_001130987.2 (MANE Select); coding-DNA position 4638, one base duplicated (A; older notation c.4638dupA).
Protein change: p.Gln1547fs; shifts the reading frame from glutamine 1547.
Molecular consequence: frameshift variant.
Genome position (GRCh38, 1-based): chr2:71,656,173, A duplicated. VCF-style (leftmost placement, unchanged base first): chr2-71656172-C-CA. GRCh37 (hg19) VCF-style: chr2-71883302-C-CA.
Other names: c.4524dup, p.Gln1509fs (NM_001130455.2); c.4479dup, p.Gln1494fs (NM_001130976.2); c.4542dup, p.Gln1515fs (NM_001130977.2); c.4584dup, p.Gln1529fs (NM_001130978.2); c.4614dup, p.Gln1539fs (NM_001130979.2); c.4572dup, p.Gln1525fs (NM_001130980.2); c.4635dup, p.Gln1546fs (NM_001130981.2); c.4617dup, p.Gln1540fs (NM_001130982.2); and 5 more; short protein forms Q1494fs, Q1495fs, Q1508fs, Q1509fs, Q1515fs, Q1516fs, Q1525fs, Q1526fs.
Identifiers: ClinVar variation 5011971 (VCV005011971.1).

ClinVar aggregate classification (germline): Pathogenic (1 of 4 stars; one submission).

Conditions:
Autosomal recessive limb-girdle muscular dystrophy. Identifiers: Orphanet 102015, MedGen C2931907, MONDO:0015152.

Submission:

Myriad Genetics, Inc.
Classification: Pathogenic for Autosomal recessive limb-girdle muscular dystrophy. Last evaluated: 2023-09-27. Review status: criteria provided, single submitter. Criteria: Myriad Autosomal Dominant, Autosomal Recessive and X-Linked Classification Criteria (2023). Collection method: clinical testing. Allele origin: unknown.
Comment: NM_003494.3(DYSF):c.4521dupA(Q1508Tfs*9) is expected to be pathogenic in the context of dysferlinopathy. This variant is predicted to lead to an abnormal or absent protein product due to the creation of a premature termination codon in DYSF, a gene where loss-of-function variants are known to be pathogenic. Please note: this variant was assessed in the context of healthy population screening.